The following is an entry in ClinVar:

NM_000256.3(MYBPC3):c.3489_3490del (p.Gly1164fs)

Gene: MYBPC3 (myosin binding protein C3; minus strand). Cytogenetic location: 11p11.2.
Variant type: Deletion.
Coding change: c.3489_3490del on transcript NM_000256.3 (MANE Select); coding-DNA positions 3489 to 3490, 2 bases deleted (AG; older notation c.3489_3490delAG).
Protein change: p.Gly1164fs; shifts the reading frame from glycine 1164.
Molecular consequence: frameshift variant.
Genome position (GRCh38, 1-based): chr11:47,332,814-47,332,815, CT deleted on the plus strand (AG on the coding strand, the reverse complement: MYBPC3 is on the minus strand). VCF-style (leftmost placement, unchanged base first): chr11-47332813-CCT-C. GRCh37 (hg19) VCF-style: chr11-47354364-CCT-C.
Other names: short protein forms G1164fs.
Identifiers: ClinVar variation 3387091 (VCV003387091.3).

ClinVar aggregate classification (germline): Pathogenic. Review status: criteria provided, multiple submitters, no conflicts (2 of 4 stars). 3 submissions from 3 submitters: Pathogenic (3). Last evaluated 2025-10-02.

Conditions:
Hypertrophic cardiomyopathy. Also called: HYPERTROPHIC MYOCARDIOPATHY. Identifiers: Orphanet 217569, MedGen C0007194, MeSH D002312, MONDO:0005045, HP:0001639.
Cardiomyopathy (CMYO). Also called: Cardiomyopathies. Identifiers: Orphanet 167848, MedGen C0878544, MONDO:0004994, HP:0001638. Inheritance: Various modes of inheritance.

Submissions (3):

Labcorp Genetics (formerly Invitae), Labcorp
Classification: Pathogenic for Hypertrophic cardiomyopathy. Last evaluated: 2025-10-02. Review status: criteria provided, single submitter. Criteria: Invitae Variant Classification Sherloc (09022015). Collection method: clinical testing. Allele origin: germline.
Comment: This sequence change creates a premature translational stop signal (p.Gly1164Hisfs*4) in the MYBPC3 gene. It is expected to result in an absent or disrupted protein product. Loss-of-function variants in MYBPC3 are known to be pathogenic (PMID: 19574547). This variant is not present in population databases (gnomAD no frequency). This variant has not been reported in the literature in individuals affected with MYBPC3-related conditions. ClinVar contains an entry for this variant (Variation ID: 3387091). Algorithms developed to predict the effect of sequence changes on RNA splicing suggest that this variant may disrupt the consensus splice site. For these reasons, this variant has been classified as Pathogenic.

Color Diagnostics, LLC DBA Color Health
Classification: Pathogenic for Cardiomyopathy. Last evaluated: 2024-10-15. Review status: criteria provided, single submitter. Criteria: ACMG Guidelines, 2015. Collection method: clinical testing. Allele origin: germline.
Comment: This variant deletes 2 nucleotides in exon 31 of the MYBPC3 gene, creating a frameshift and premature translation stop signal. This variant is expected to result in an absent or non-functional protein product. To our knowledge, this variant has not been reported in individuals affected with MYBPC3-related disorders in the literature. This variant has not been identified in the general population by the Genome Aggregation Database (gnomAD). Loss of MYBPC3 function is a known mechanism of disease. Based on the available evidence, this variant is classified as Pathogenic.

All of Us Research Program, National Institutes of Health
Classification: Pathogenic for Hypertrophic cardiomyopathy. Last evaluated: 2024-09-12. Review status: criteria provided, single submitter. Criteria: ACMG Guidelines, 2015. Collection method: clinical testing. Allele origin: germline. Inheritance: Autosomal dominant inheritance. Observed: 1 variant allele, 1 heterozygote.
Comment: The c.3489_3490del (p.Gly1164Hisfs*4) variant in the MYBPC3 gene introduces a frameshift which creates a premature termination codon. It is predicted to result in an absent or aberrant protein product. Loss-of-function variants in MYBPC3 gene are known to be pathogenic (PMID: 19574547). Other loss-of-function variants in this exon c.3476_3479dup (p.Pro1161fs) and c.3408C>A (p.Tyr1136*), which localize upstream and downstream of this variant, have been classified as pathogenic/likely pathogenic in ClinVar (ID: 42714 and 36611). This variant is absent in the general population. Based on available evidence, this variant is classified as pathogenic.

This study involves interpretation of variants in research participants for the purpose of population health screening. Participant phenotype was not available at the time of variant classification. Additional details can be found in publication PMID: 35346344, PMCID: PMC8962531

Literature cited by the submitters: PubMed 19574547 (cited by Labcorp Genetics (formerly Invitae), Labcorp and All of Us Research Program, National Institutes of Health).